The following is an entry in ClinVar:

NM_198465.4(NRK):c.206G>A (p.Arg69Gln)

Gene: NRK (Nik related kinase; plus strand). Cytogenetic location: Xq22.3.
Variant type: single nucleotide variant.
Coding change: c.206G>A on transcript NM_198465.4 (MANE Select); coding-DNA position 206, G replaced by A.
Protein change: p.Arg69Gln; replaces arginine 69 with glutamine.
Molecular consequence: missense variant.
Genome position (GRCh38, 1-based): chrX:105,881,733, G>A. VCF-style: chrX-105881733-G-A. GRCh37 (hg19) VCF-style: chrX-105125726-G-A.
Other names: c.206G>A (NM_198465.2); short protein forms R69Q.
Identifiers: ClinVar variation 2661123 (VCV002661123.24), dbSNP rs1176988972, ClinGen allele CA413803783.

ClinVar aggregate classification (germline): Conflicting classifications of pathogenicity. Review status: criteria provided, conflicting classifications (1 of 4 stars). 2 submissions from 2 submitters: Uncertain significance (1); Likely benign (1). Last evaluated 2025-06-07.

Allele frequency attached by ClinVar (database versions not stated): gnomAD 0.00001; gnomAD exomes 0.00001; TOPMed 0.00003.

Submissions (2):

Ambry Genetics
Classification: Uncertain significance. Last evaluated: 2025-06-07. Review status: criteria provided, single submitter. Criteria: Ambry Variant Classification Scheme 2023. Collection method: clinical testing. Allele origin: germline.

CeGaT Center for Human Genetics Tuebingen
Classification: Likely benign. Last evaluated: 2023-03-01. Review status: criteria provided, single submitter. Criteria: CeGaT Center For Human Genetics Tuebingen Variant Classification Criteria Version 2. Collection method: clinical testing. Allele origin: germline. Affected: yes. Observed: 1 variant allele.
Comment: NRK: BS2